The following is an entry in ClinVar:

ClinVar aggregate classification (germline): Uncertain significance (1 of 4 stars; one submission).

Allele frequency attached by ClinVar (database versions not stated): gnomAD exomes below 0.00001.
gnomAD v4.1: 1 of 1,210,587 alleles (0.000083%); highest among the groups gnomAD compares: Non-Finnish European, 0.00011%; no homozygotes.

Submission:

Labcorp Genetics (formerly Invitae), Labcorp
Classification: Uncertain significance. Last evaluated: 2022-08-09. Review status: criteria provided, single submitter. Criteria: Invitae Variant Classification Sherloc (09022015). Collection method: clinical testing. Allele origin: germline.
Comment: This sequence change replaces asparagine, which is neutral and polar, with lysine, which is basic and polar, at codon 157 of the RNF113A protein (p.Asn157Lys). This variant is not present in population databases (gnomAD no frequency). This variant has not been reported in the literature in individuals affected with RNF113A-related conditions. ClinVar contains an entry for this variant (Variation ID: 1505970). Algorithms developed to predict the effect of missense changes on protein structure and function (SIFT, PolyPhen-2, Align-GVGD) all suggest that this variant is likely to be tolerated. In summary, the available evidence is currently insufficient to determine the role of this variant in disease. Therefore, it has been classified as a Variant of Uncertain Significance.

NM_006978.3(RNF113A):c.471C>A (p.Asn157Lys)

Gene: RNF113A (ring finger protein 113A; minus strand). Cytogenetic location: Xq24.
Variant type: single nucleotide variant.
Coding change: c.471C>A on transcript NM_006978.3 (MANE Select); coding-DNA position 471, C replaced by A.
Protein change: p.Asn157Lys; replaces asparagine 157 with lysine.
Molecular consequence: missense variant.
Genome position (GRCh38, 1-based): chrX:119,871,143, G>T on the plus strand (C>A on the coding strand, the complement: RNF113A is on the minus strand). VCF-style: chrX-119871143-G-T. GRCh37 (hg19) VCF-style: chrX-119005106-G-T.
Other names: short protein forms N157K.
Identifiers: ClinVar variation 1505970 (VCV001505970.8), dbSNP rs1037989136, ClinGen allele CA334110081.
Genomic context (GRCh38, chrX:119,871,143, plus strand): 5'-CATCCCGGAAGAGGCATTGCCCATAGACGTATCCTTGGGCTTCATGTATTTCTGATAATT[G>T]TTGATTCCCCGATAGATCTTGTCATCCTCCTTGCCCCTCAGCTCCTCCTGGATCTTCTGG-3'
Protein context (NP_008909.1, residues 147-167): KEDDKIYRGI[Asn157Lys]NYQKYMKPKD